The following is an entry in ClinVar:

NM_000383.4(AIRE):c.901G>A (p.Val301Met)

Gene: AIRE (autoimmune regulator; plus strand). Cytogenetic location: 21q22.3.
Variant type: single nucleotide variant.
Coding change: c.901G>A on transcript NM_000383.4 (MANE Select); coding-DNA position 901, G replaced by A.
Protein change: p.Val301Met; replaces valine 301 with methionine.
Molecular consequence: missense variant.
Genome position (GRCh38, 1-based): chr21:44,291,116, G>A. VCF-style: chr21-44291116-G-A. GRCh37 (hg19) VCF-style: chr21-45710999-G-A.
Other names: c.901G>A (LRG_18t1); short protein forms V301M.
Identifiers: ClinVar variation 265028 (VCV000265028.23), dbSNP rs150634562, ClinGen allele CA10051853.

ClinVar aggregate classification (germline): Conflicting classifications of pathogenicity. Review status: criteria provided, conflicting classifications (1 of 4 stars). 8 submissions from 8 submitters: Uncertain significance (5); Likely benign (3). Last evaluated 2026-04-21.

Conditions:
AIRE-related disorder. Also called: AIRE-related condition.
Polyglandular autoimmune syndrome, type 1 (APS1). Also called: APS I; HYPOADRENOCORTICISM WITH HYPOPARATHYROIDISM AND SUPERFICIAL MONILIASIS; PGA I; Whitaker syndrome; Autoimmune polyendocrinopathy syndrome, type I; Autoimmune polyendocrine syndrome type 1. Identifiers: Orphanet 3453, MedGen C0085859, MONDO:0009411, OMIM 240300.

Allele frequency attached by ClinVar (database versions not stated): 1000 Genomes Project 30x 0.00031; ESP Exome Variant Server 0.00038; 1000 Genomes Project 0.00040; TOPMed 0.00051; gnomAD 0.00090 and 0.00092; ExAC 0.00091; gnomAD exomes 0.00102.
gnomAD v4.1: 1,314 of 1,612,746 alleles (0.081%); highest among the groups gnomAD compares: Non-Finnish European, 0.065%; 3 homozygotes.

Submissions (8):

Women's Health and Genetics/Laboratory Corporation of America, LabCorp
Classification: Likely benign. Last evaluated: 2026-04-21. Review status: criteria provided, single submitter. Criteria: LabCorp Variant Classification Summary - May 2015. Collection method: clinical testing. Allele origin: germline.
Comment: Variant summary: AIRE c.901G>A (p.Val301Met) results in a conservative amino acid change in the encoded protein sequence. Algorithms developed to predict the effect of missense changes on protein structure and function are either unavailable or do not agree on the potential impact of this missense change. The variant allele was found at a frequency of 0.00081 in 1612746 control chromosomes, predominantly at a frequency of 0.006 within the Non-Finnish European subpopulation in the gnomAD database, including 3 homozygotes. The observed variant frequency within Non-Finnish European control individuals in the gnomAD database exceeds the estimated maximal expected allele frequency for disease-causing variants in AIRE. Additionally, the observation of homozygous controls is not consistent with the clinical presentation of autosomal recessive AIRE-related conditions. c.901G>A has been observed in the heterozygous or presumed compound heterozygous state in individual(s) affected with clinical features of autosomal recessive Polyglandular autoimmune syndrome, type 1 or autosomal dominant autoimmune polyendocrinopathy with candidiasis and ectodermal dysplasia (APECED), without strong evidence for causality (example, Oftedal_2015, Orlova_2010, Soderbergh_2000). These report(s) do not provide unequivocal conclusions about association of the variant with AIRE-related conditions. To our knowledge, no segregation with validated AIRE-related conditions has been reported in the literature. Several groups report experimental evidence evaluating an impact on protein function, however, do not allow convincing conclusions about the variant effect (example, Oftedal_2015, Gaetani_2012, Org_2008). The following publications have been ascertained in the context of this evaluation (PMID: 23074189, 26084028, 18292755, 20407228, 10634424). ClinVar contains an entry for this variant (Variation ID: 265028). Based on the evidence outlined above, the variant was classified as likely benign.

Labcorp Genetics (formerly Invitae), Labcorp
Classification: Likely benign for Polyglandular autoimmune syndrome, type 1. Last evaluated: 2026-01-21. Review status: criteria provided, single submitter. Criteria: Invitae Variant Classification Sherloc (09022015). Collection method: clinical testing. Allele origin: germline.

PreventionGenetics, part of Exact Sciences
Classification: Uncertain significance for AIRE-related condition. Last evaluated: 2025-09-24. Review status: criteria provided, single submitter. Criteria: ACMG Guidelines, 2015. Collection method: clinical testing. Allele origin: germline.
Comment: The AIRE c.901G>A variant is predicted to result in the amino acid substitution p.Val301Met. This variant has been reported in the heterozygous state in an individual with systemic sclerosis and autoimmune thyroiditis, in an individual with chronic mucocutaneous candidiasis, hypoparathyroidism, and primary adrenal insufficiency, and in an individual with primary ovarian insufficiency (Ferrera F et al. 2007 PMID: 17101293; Orlova EM et al 2010. PubMed ID: 20407228; Illés et al. 2024. PubMed ID: 38649916). Functional studies are inconclusive regarding the effect of this variant on protein function (Koh AS et al 2008. PubMed ID: 18840680; Oftedal BE et al 2015. PubMed ID: 26084028). This variant is reported in 0.59% of alleles in individuals of European (Finnish) descent, including one homozygous individual, in gnomAD. This variant has also been reported in the homozygous state in a Turkish population study (Dataset S4, Kars ME et al 2021. PubMed ID: 34426522). Although we suspect that this variant may be benign, at this time, the clinical significance of this variant is uncertain due to the absence of conclusive functional and genetic evidence.

Blueprint Genetics
Classification: Likely benign. Last evaluated: 2024-10-22. Review status: criteria provided, single submitter. Criteria: ACMG Guidelines, 2015. Collection method: clinical testing. Allele origin: germline.

Mayo Clinic Laboratories, Mayo Clinic
Classification: Uncertain significance. Last evaluated: 2023-11-14. Review status: criteria provided, single submitter. Criteria: ACMG Guidelines, 2015. Collection method: clinical testing. Allele origin: germline. Observed: 1 variant allele.
Comment: BS2, BS3_moderate, PP3, PS3_supporting

Mendelics
Classification: Uncertain significance for Polyglandular autoimmune syndrome, type 1. Last evaluated: 2019-05-28. Review status: criteria provided, single submitter. Criteria: Mendelics Assertion Criteria 2017. Collection method: clinical testing. Allele origin: unknown.

Eurofins Ntd Llc (ga)
Classification: Uncertain significance. Last evaluated: 2018-03-20. Review status: criteria provided, single submitter. Criteria: EGL ClinVar v180209 classification definitions. Collection method: clinical testing. Allele origin: germline. Observed: 1 variant allele, 1 heterozygote.

GeneDx
Classification: Uncertain significance. Last evaluated: 2018-02-08. Review status: criteria provided, single submitter. Criteria: GeneDx Variant Classification (06012015). Collection method: clinical testing. Allele origin: germline. Affected: yes.
Comment: The V301M variant in the AIRE gene has been reported previously in the heterozygous state in a patient with Addison's disease and autoimmune thyroiditis, in a patient with autoimmune polyendocrinopathy-candidiasis-ectodermal dystrophy, and in a patient with systemic sclerosis and autoimmune thyroiditis (Soderbergh et al., 2000; Ferrera et al., 2007; Orlova et al., 2010). These reported heterozygous cases have prompted the inclusion of V301M in several in vitro studies of AIRE, many of which have failed to show a conclusive deleterious effect for V301M (Bottomly, 2005; Chakravarty, 2009). One study did demonstrate that V301M affects expression of AIRE target genes by reducing the chromatin level interaction with its protein partners involved in transcriptional activation (Gaetani et al., 2012). The V301M variant is observed in 153/25596 (0.60%) alleles from individuals of Finnish European background, including 2 homozygous individual, in large population cohorts (Lek et al., 2016). The V301M variant is a conservative amino acid substitution, which occurs at a position in the PHD-type 1 zinc finger domain where amino acids with similar properties to Valine are tolerated across species. We interpret V301M as a variant of uncertain significance.

Literature cited by the submitters: PubMed 10634424 (cited by Women's Health and Genetics/Laboratory Corporation of America, LabCorp and Mayo Clinic Laboratories, Mayo Clinic); PubMed 20407228 (cited by Women's Health and Genetics/Laboratory Corporation of America, LabCorp); PubMed 26084028 (cited by Women's Health and Genetics/Laboratory Corporation of America, LabCorp and Mayo Clinic Laboratories, Mayo Clinic); PubMed 23074189 (cited by Women's Health and Genetics/Laboratory Corporation of America, LabCorp and Mayo Clinic Laboratories, Mayo Clinic); PubMed 18292755 (cited by Women's Health and Genetics/Laboratory Corporation of America, LabCorp and Mayo Clinic Laboratories, Mayo Clinic); PubMed 17101293 (cited by Mayo Clinic Laboratories, Mayo Clinic); PubMed 18840680 (cited by Mayo Clinic Laboratories, Mayo Clinic); PubMed 19446523 (cited by Mayo Clinic Laboratories, Mayo Clinic); PubMed 34477806 (cited by Mayo Clinic Laboratories, Mayo Clinic); PubMed 34917035 (cited by Mayo Clinic Laboratories, Mayo Clinic); PubMed 35058929 (cited by Mayo Clinic Laboratories, Mayo Clinic); PubMed 35753512 (cited by Mayo Clinic Laboratories, Mayo Clinic).